The following is an entry in ClinVar:

NM_004281.4(BAG3):c.1359G>T (p.Met453Ile)

Gene: BAG3 (BAG cochaperone 3; plus strand). Cytogenetic location: 10q26.11.
Variant type: single nucleotide variant.
Coding change: c.1359G>T on transcript NM_004281.4 (MANE Select); coding-DNA position 1359, G replaced by T.
Protein change: p.Met453Ile; replaces methionine 453 with isoleucine.
Molecular consequence: missense variant.
Genome position (GRCh38, 1-based): chr10:119,676,913, G>T. VCF-style: chr10-119676913-G-T. GRCh37 (hg19) VCF-style: chr10-121436425-G-T.
Other names: short protein forms M453I.
Identifiers: ClinVar variation 4782796 (VCV004782796.1).

ClinVar aggregate classification (germline): Uncertain significance (1 of 4 stars; one submission).

Conditions:
Dilated cardiomyopathy 1HH (CMD1HH). Identifiers: Orphanet 154, MedGen C3151293, MONDO:0013479, OMIM 613881.
Myofibrillar myopathy 6. Identifiers: Orphanet 199340, MedGen C2751831, MONDO:0013061, OMIM 612954.

Submission:

Labcorp Genetics (formerly Invitae), Labcorp
Classification: Uncertain significance for Dilated cardiomyopathy 1HH; Myofibrillar myopathy 6. Last evaluated: 2025-11-06. Review status: criteria provided, single submitter. Criteria: Invitae Variant Classification Sherloc (09022015). Collection method: clinical testing. Allele origin: germline.
Comment: This sequence change replaces methionine, which is neutral and non-polar, with isoleucine, which is neutral and non-polar, at codon 453 of the BAG3 protein (p.Met453Ile). This variant is not present in population databases (gnomAD no frequency). This variant has not been reported in the literature in individuals affected with BAG3-related conditions. Invitae Evidence Modeling of protein sequence and biophysical properties (such as structural, functional, and spatial information, amino acid conservation, physicochemical variation, residue mobility, and thermodynamic stability) indicates that this missense variant is not expected to disrupt BAG3 protein function with a negative predictive value of 80%. In summary, the available evidence is currently insufficient to determine the role of this variant in disease. Therefore, it has been classified as a Variant of Uncertain Significance.